The following is an entry in ClinVar:

ClinVar aggregate classification (germline): Uncertain significance (1 of 4 stars; one submission).

Submission:

Labcorp Genetics (formerly Invitae), Labcorp
Classification: Uncertain significance. Last evaluated: 2021-11-24. Review status: criteria provided, single submitter. Criteria: Invitae Variant Classification Sherloc (09022015). Collection method: clinical testing. Allele origin: germline.
Comment: This sequence change replaces glutamic acid, which is acidic and polar, with lysine, which is basic and polar, at codon 489 of the KPNA7 protein (p.Glu489Lys). This variant is not present in population databases (gnomAD no frequency). Algorithms developed to predict the effect of sequence changes on RNA splicing suggest that this variant may disrupt the consensus splice site. Algorithms developed to predict the effect of missense changes on protein structure and function (SIFT, PolyPhen-2, Align-GVGD) all suggest that this variant is likely to be tolerated. This variant has not been reported in the literature in individuals affected with KPNA7-related conditions. In summary, the available evidence is currently insufficient to determine the role of this variant in disease. Therefore, it has been classified as a Variant of Uncertain Significance.

NM_001145715.3(KPNA7):c.1465G>A (p.Glu489Lys)

Gene: KPNA7 (karyopherin subunit alpha 7; minus strand). Cytogenetic location: 7q22.1.
Variant type: single nucleotide variant.
Coding change: c.1465G>A on transcript NM_001145715.3 (MANE Select); coding-DNA position 1465, G replaced by A.
Protein change: p.Glu489Lys; replaces glutamic acid 489 with lysine.
Molecular consequence: missense variant.
Genome position (GRCh38, 1-based): chr7:99,173,794, C>T on the plus strand (G>A on the coding strand, the complement: KPNA7 is on the minus strand). VCF-style: chr7-99173794-C-T. GRCh37 (hg19) VCF-style: chr7-98771417-C-T.
Other names: short protein forms E489K.
Identifiers: ClinVar variation 1394908 (VCV001394908.6), dbSNP rs2150692542, ClinGen allele CA368416975.
Genomic context (GRCh38, chr7:99,173,794, plus strand): 5'-CTATAAATTCATAATCTTGGTCTATGACTTGGCTCAGTAAAGTTTGGCTCTCATCTTCTT[C>T]CTTCAGGAGAGAATAGACACTGTTATACCTCCAGGATTCTCAGCACATTATCACTGCACA-3'
Protein context (NP_001139187.1, residues 479-499): LNIIEKHFGE[Glu489Lys]EDESQTLLSQ